The following is an entry in ClinVar:

ClinVar aggregate classification (germline): Uncertain significance (1 of 4 stars; one submission).

Submission:

Labcorp Genetics (formerly Invitae), Labcorp
Classification: Uncertain significance. Last evaluated: 2025-08-31. Review status: criteria provided, single submitter. Criteria: Invitae Variant Classification Sherloc (09022015). Collection method: clinical testing. Allele origin: germline.
Comment: This sequence change replaces glutamine, which is neutral and polar, with leucine, which is neutral and non-polar, at codon 1114 of the ERCC6L2 protein (p.Gln1114Leu). This variant is not present in population databases (gnomAD no frequency). This variant has not been reported in the literature in individuals affected with ERCC6L2-related conditions. Experimental studies and prediction algorithms are not available or were not evaluated, and the functional significance of this variant is currently unknown. In summary, the available evidence is currently insufficient to determine the role of this variant in disease. Therefore, it has been classified as a Variant of Uncertain Significance.

NM_020207.7(ERCC6L2):c.3308A>T (p.Gln1103Leu)

Gene: ERCC6L2 (ERCC excision repair 6 like 2; plus strand). Cytogenetic location: 9q22.32.
Variant type: single nucleotide variant.
Coding change: c.3308A>T on transcript NM_020207.7 (MANE Select); coding-DNA position 3308, A replaced by T.
Protein change: p.Gln1103Leu; replaces glutamine 1103 with leucine.
Molecular consequence: missense variant. On other transcripts: non-coding transcript variant (1).
Genome position (GRCh38, 1-based): chr9:95,973,059, A>T. VCF-style: chr9-95973059-A-T. GRCh37 (hg19) VCF-style: chr9-98735341-A-T.
Other names: c.3308A>T, p.Gln1103Leu (NM_001375291.1, NM_001375292.1, NM_001375293.1 and 1 more transcripts); short protein forms Q1103L.
Identifiers: ClinVar variation 4726434 (VCV004726434.1).